The following is an entry in ClinVar:

ClinVar aggregate classification (germline): Benign/Likely benign. Review status: criteria provided, multiple submitters, no conflicts (2 of 4 stars). 26 submissions from 26 submitters: Benign (14); Likely benign (2). 10 of the submissions do not count toward it. Last evaluated 2026-10-01.

Conditions:
APC-Associated Polyposis Disorders.
Hereditary cancer-predisposing syndrome. Also called: Neoplastic Syndromes, Hereditary; Tumor predisposition; Hereditary neoplastic syndrome; Hereditary Cancer Syndrome. Identifiers: Orphanet 140162, MedGen C0027672, MeSH D009386, MONDO:0015356.
Familial multiple polyposis syndrome (FAP). Also called: Familial Adenomatous Polyposis (FAP); Familial intestinal polyposis; Familial polyposis; Familial adenomatous polyposis; Classic familial adenomatous polyposis. Identifiers: Orphanet 733, MedGen C0032580, MONDO:0021055. Disease mechanism: loss of function.
Familial adenomatous polyposis 1 (FAP1). Also called: POLYPOSIS, ADENOMATOUS INTESTINAL; FAMILIAL ADENOMATOUS POLYPOSIS 1, ATTENUATED. Identifiers: MedGen C2713442, MONDO:0021056, OMIM 175100. Disease mechanism: loss of function.
Carcinoma of colon (CRC). Also called: Colonic carcinoma; Colon carcinoma. Identifiers: MedGen C0699790, MONDO:0002032.

Allele frequency attached by ClinVar (database versions not stated): 1000 Genomes Project 30x 0.00094; 1000 Genomes Project 0.00100; TOPMed 0.00260; gnomAD 0.00280 and 0.00286; ESP Exome Variant Server 0.00292; gnomAD exomes 0.00304 and 0.00436; ExAC 0.00355.
gnomAD v4.1: 6,826 of 1,614,158 alleles (0.42%); highest among the groups gnomAD compares: Non-Finnish European, 0.52%; 18 homozygotes.

Submissions (26):

CeGaT Center for Human Genetics Tuebingen
Classification: Benign. Last evaluated: 2026-10-01. Review status: criteria provided, single submitter. Criteria: CeGaT Center For Human Genetics Tuebingen Variant Classification Criteria Version 2. Collection method: clinical testing. Allele origin: germline. Affected: yes. Observed: 49 variant alleles.
Comment: APC: BP4, BP7, BS1, BS2

Labcorp Genetics (formerly Invitae), Labcorp
Classification: Benign for Familial adenomatous polyposis 1. Last evaluated: 2026-02-04. Review status: criteria provided, single submitter. Criteria: Invitae Variant Classification Sherloc (09022015). Collection method: clinical testing. Allele origin: germline.

Center for Genomic Medicine, Rigshospitalet, Copenhagen University Hospital
Classification: Likely benign. Last evaluated: 2025-03-04. Review status: criteria provided, single submitter. Criteria: ACMG Guidelines, 2015. Collection method: clinical testing. Allele origin: germline.

ARUP Laboratories, Molecular Genetics and Genomics, ARUP Laboratories
Classification: Benign. Last evaluated: 2024-12-31. Review status: criteria provided, single submitter. Criteria: ARUP Molecular Germline Variant Investigation Process 2024. Collection method: clinical testing. Allele origin: germline.

Blueprint Genetics
Classification: Likely benign. Last evaluated: 2024-11-21. Review status: criteria provided, single submitter. Criteria: ACMG Guidelines, 2015. Collection method: clinical testing. Allele origin: germline.

Myriad Genetics, Inc.
Classification: Benign for Familial adenomatous polyposis 1. Last evaluated: 2024-03-18. Review status: criteria provided, single submitter. Criteria: Myriad Autosomal Dominant, Autosomal Recessive and X-Linked Classification Criteria (2023). Collection method: clinical testing. Allele origin: unknown.
Comment: This variant is considered benign. This variant is a silent/synonymous amino acid change and it is not expected to impact splicing.

Institute for Biomarker Research, Medical Diagnostic Laboratories, L.L.C.
Classification: Benign for Hereditary cancer-predisposing syndrome. Last evaluated: 2023-12-12. Review status: criteria provided, single submitter. Criteria: ACMG Guidelines, 2015. Collection method: clinical testing. Allele origin: germline.

KCCC/NGS Laboratory, Kuwait Cancer Control Center
Classification: Benign for Familial adenomatous polyposis 1. Last evaluated: 2023-07-07. Review status: criteria provided, single submitter. Criteria: ACMG Guidelines, 2015. Collection method: clinical testing. Allele origin: germline. Affected: yes.

Sema4
Classification: Benign for Hereditary cancer-predisposing syndrome. Last evaluated: 2020-08-26. Review status: criteria provided, single submitter. Criteria: Sema4 Curation Guidelines. Collection method: curation. Allele origin: germline.

Genetic Services Laboratory, University of Chicago
Classification: Benign. Last evaluated: 2020-04-22. Review status: criteria provided, single submitter. Criteria: ACMG Guidelines, 2015. Collection method: clinical testing. Allele origin: germline. Affected: no.

Illumina Laboratory Services, Illumina
Classification: Benign for APC-Associated Polyposis Disorders. Last evaluated: 2018-01-12. Review status: criteria provided, single submitter. Criteria: ICSL Variant Classification Criteria 13 December 2019. Collection method: clinical testing. Allele origin: germline.
Comment: This variant was observed in the ICSL laboratory as part of a predisposition screen in an ostensibly healthy population. It had not been previously curated by ICSL or reported in the Human Gene Mutation Database (HGMD: prior to June 1st, 2018), and was therefore a candidate for classification through an automated scoring system. Utilizing variant allele frequency, disease prevalence and penetrance estimates, and inheritance mode, an automated score was calculated to assess if this variant is too frequent to cause the disease. Based on the score and internal cut-off values, a variant classified as benign is not then subjected to further curation. The score for this variant resulted in a classification of benign for this disease.

PreventionGenetics, part of Exact Sciences
Classification: Benign. Last evaluated: 2016-11-18. Review status: criteria provided, single submitter. Criteria: ACMG Guidelines, 2015. Collection method: clinical testing. Allele origin: germline.

Color Diagnostics, LLC DBA Color Health
Classification: Benign for Hereditary cancer-predisposing syndrome. Last evaluated: 2016-03-18. Review status: criteria provided, single submitter. Criteria: ACMG Guidelines, 2015. Collection method: clinical testing. Allele origin: germline.

Genomic Diagnostic Laboratory, Division of Genomic Diagnostics, Children's Hospital of Philadelphia
Classification: Benign for Adenomatous polyposis coli. Last evaluated: 2015-03-25. Review status: criteria provided, single submitter. Criteria: DGD Variant Analysis Guidelines. Collection method: clinical testing. Allele origin: unknown.

Ambry Genetics
Classification: Benign for Hereditary cancer-predisposing syndrome. Last evaluated: 2014-11-24. Review status: criteria provided, single submitter. Criteria: Ambry Variant Classification Scheme 2023. Collection method: clinical testing. Allele origin: germline.

GeneDx
Classification: Benign. Last evaluated: 2014-02-19. Review status: criteria provided, single submitter. Criteria: GeneDx Variant Classification (06012015). Collection method: clinical testing. Allele origin: germline. Affected: yes.
Comment: This variant is considered likely benign or benign based on one or more of the following criteria: it is a conservative change, it occurs at a poorly conserved position in the protein, it is predicted to be benign by multiple in silico algorithms, and/or has population frequency not consistent with disease.

True Health Diagnostics
Classification: Likely benign for Hereditary cancer-predisposing syndrome. Last evaluated: 2017-09-11. Review status: no assertion criteria provided. Collection method: clinical testing. Allele origin: germline. Not counted in ClinVar's aggregate classification.

Clinical Genetics DNA and cytogenetics Diagnostics Lab, Erasmus MC, Erasmus Medical Center
Classification: Benign. Review status: no assertion criteria provided. Collection method: clinical testing. Allele origin: germline. Affected: yes. Study: VKGL Data-share Consensus. Not counted in ClinVar's aggregate classification.

Clinical Genetics, Academic Medical Center
Classification: Likely benign. Review status: no assertion criteria provided. Collection method: clinical testing. Allele origin: germline. Affected: yes. Study: VKGL Data-share Consensus. Not counted in ClinVar's aggregate classification.

Department of Pathology and Laboratory Medicine, Sinai Health System
Classification: Benign for Carcinoma of colon. Review status: no assertion criteria provided. Collection method: clinical testing. Allele origin: unknown. Affected: yes. Study: The Canadian Open Genetics Repository (COGR). Not counted in ClinVar's aggregate classification.
Comment: The APC, p.Ile1055Ile variant was not identified in the literature nor was it identified in the GeneInsight COGR through the Canadian Open Genetics Repository, CLINVITAE, COSMIC or MutDB databases. The variant was identified in dbSNP (ID: rs61734287 â€šÃ„ÃºWith Benign alleleâ€šÃ„Ã¹, with a minor allele frequency of 0.001(5 of 5000 in 1000 Genomes Project). In NHLBI Exome Sequencing Project (Exome Variant Server) the variant was identified in 34 of 8600 European Americans and 4 of 4405 African Americans. In the Exome Aggregation Consortium (ExAC) database (released Oct 20th, 2014), the variant was identified in 428 of 120724 chromosomes (frequency: 0.003545) (or 394 of 66424 alleles in the European (Non-Finnish) - 2 of them homozygous, 17 of 6610 alleles in the European (Finnish), 7 of 10258 of Africans, 6 of 11508 Latinos, 4 of 16456 South Asians), increasing the likelihood this could be a low frequency benign variant. The variant was also identified in the Clinvar database and classified as benign by Invitae, by Gene DX and by Ambry genetics; classified as neutral in UMD database and co-occurred with a pathogenic variant - APC: c.1248C>G, p.Tyr416X. It was identified 2X in InSiGHT Colon Cancer Database and 1X in Zhejiang Colon Cancer Database.The p.Ile1055Ile variant is not expected to have clinical significance because it does not result in a change of amino acid and is not located in a known consensus splice site. In addition, in silico or computational prediction software programs (SpliceSiteFinder, MaxEntScan, NNSPLICE, GeneSplicer, HumanSpliceFinder) do not predict a difference in splicing. In summary, based on the above information, this variant meets our laboratory's criteria to be classified as benign.

Diagnostic Laboratory, Department of Genetics, University Medical Center Groningen
Classification: Likely benign. Review status: no assertion criteria provided. Collection method: clinical testing. Allele origin: germline. Affected: yes. Study: VKGL Data-share Consensus. Not counted in ClinVar's aggregate classification.

Genome Diagnostics Laboratory, Amsterdam University Medical Center
Classification: Benign. Review status: no assertion criteria provided. Collection method: clinical testing. Allele origin: germline. Affected: yes. Study: VKGL Data-share Consensus. Not counted in ClinVar's aggregate classification.

Genome Diagnostics Laboratory, University Medical Center Utrecht
Classification: Benign. Review status: no assertion criteria provided. Collection method: clinical testing. Allele origin: germline. Affected: yes. Study: VKGL Data-share Consensus. Not counted in ClinVar's aggregate classification.

Joint Genome Diagnostic Labs from Nijmegen and Maastricht, Radboudumc and MUMC+
Classification: Likely benign. Review status: no assertion criteria provided. Collection method: clinical testing. Allele origin: germline. Affected: yes. Study: VKGL Data-share Consensus. Not counted in ClinVar's aggregate classification.

Laboratory of Diagnostic Genome Analysis, Leiden University Medical Center (LUMC)
Classification: Likely benign. Review status: no assertion criteria provided. Collection method: clinical testing. Allele origin: germline. Affected: yes. Study: VKGL Data-share Consensus. Not counted in ClinVar's aggregate classification.

Mayo Clinic Laboratories, Mayo Clinic
Classification: Likely benign. Review status: no assertion criteria provided. Collection method: clinical testing. Allele origin: unknown. Not counted in ClinVar's aggregate classification.

NM_000038.6(APC):c.3165A>T (p.Ile1055=)

Gene: APC (APC regulator of Wnt signaling pathway; plus strand). Cytogenetic location: 5q22.2.
Variant type: single nucleotide variant.
Coding change: c.3165A>T on transcript NM_000038.6 (MANE Select); coding-DNA position 3165, A replaced by T.
Protein change: p.Ile1055=; no amino-acid change (isoleucine 1055 retained).
Molecular consequence: synonymous variant.
Genome position (GRCh38, 1-based): chr5:112,838,759, A>T. VCF-style: chr5-112838759-A-T. GRCh37 (hg19) VCF-style: chr5-112174456-A-T.
Other names: p.I1055I:ATA>ATT; CCDS4107.1:c.3165A>T; c.3165A>T, p.Ile1055= (NM_001127510.3, NM_001354895.2); c.3111A>T, p.Ile1037= (NM_001127511.3); c.3219A>T, p.Ile1073= (NM_001354896.2); c.3195A>T, p.Ile1065= (NM_001354897.2); c.3090A>T, p.Ile1030= (NM_001354898.2); c.3081A>T, p.Ile1027= (NM_001354899.2); and 7 more.
Identifiers: ClinVar variation 132763 (VCV000132763.83), dbSNP rs61734287, ClinGen allele CA008100.
Genomic context (GRCh38, chr5:112,838,759, plus strand): 5'-GTTGAACTCTGGAAGGCAAAGTCCTTCACAGAATGAAAGATGGGCAAGACCCAAACACAT[A>T]ATAGAAGATGAAATAAAACAAAGTGAGCAAAGACAATCAAGGAATCAAAGTACAACTTAT-3'
Protein context (NP_000029.2, residues 1045-1065): QNERWARPKH[Ile1055=]IEDEIKQSEQ